The following is an entry in ClinVar:

NM_199420.4(POLQ):c.3640A>G (p.Ile1214Val)

Gene: POLQ (DNA polymerase theta; minus strand). Cytogenetic location: 3q13.33.
Variant type: single nucleotide variant.
Coding change: c.3640A>G on transcript NM_199420.4 (MANE Select); coding-DNA position 3640, A replaced by G.
Protein change: p.Ile1214Val; replaces isoleucine 1214 with valine.
Molecular consequence: missense variant.
Genome position (GRCh38, 1-based): chr3:121,489,291, T>C on the plus strand (A>G on the coding strand, the complement: POLQ is on the minus strand). VCF-style: chr3-121489291-T-C. GRCh37 (hg19) VCF-style: chr3-121208138-T-C.
Other names: short protein forms I1214V.
Identifiers: ClinVar variation 3229954 (VCV003229954.1), dbSNP rs2546787142, ClinGen allele CA354098448.

ClinVar aggregate classification (germline): Uncertain significance (1 of 4 stars; one submission).

Submission:

Ambry Genetics
Classification: Uncertain significance. Last evaluated: 2024-02-06. Review status: criteria provided, single submitter. Criteria: Ambry Variant Classification Scheme 2023. Collection method: clinical testing. Allele origin: germline.
Comment: The p.I1214V variant (also known as c.3640A>G), located in coding exon 16 of the POLQ gene, results from an A to G substitution at nucleotide position 3640. The isoleucine at codon 1214 is replaced by valine, an amino acid with highly similar properties. This amino acid position is conserved. In addition, this alteration is predicted to be tolerated by in silico analysis. Based on the available evidence, the clinical significance of this alteration remains unclear.